The following is an entry in ClinVar:

ClinVar aggregate classification (germline): Uncertain significance (1 of 4 stars; one submission).

Conditions:
Alstrom syndrome (ALMS). Identifiers: Orphanet 64, MedGen C0268425, MONDO:0008763, OMIM 203800.

Allele frequency attached by ClinVar (database versions not stated): gnomAD exomes below 0.00001.

Submission:

Labcorp Genetics (formerly Invitae), Labcorp
Classification: Uncertain significance for Alstrom syndrome. Last evaluated: 2022-10-03. Review status: criteria provided, single submitter. Criteria: Invitae Variant Classification Sherloc (09022015). Collection method: clinical testing. Allele origin: germline.
Comment: This sequence change replaces aspartic acid, which is acidic and polar, with glycine, which is neutral and non-polar, at codon 480 of the ALMS1 protein (p.Asp480Gly). This variant is not present in population databases (gnomAD no frequency). This variant has not been reported in the literature in individuals affected with ALMS1-related conditions. ClinVar contains an entry for this variant (Variation ID: 971417). Algorithms developed to predict the effect of missense changes on protein structure and function output the following: SIFT: "Not Available"; PolyPhen-2: "Not Available"; Align-GVGD: "Not Available". The glycine amino acid residue is found in multiple mammalian species, which suggests that this missense change does not adversely affect protein function. In summary, the available evidence is currently insufficient to determine the role of this variant in disease. Therefore, it has been classified as a Variant of Uncertain Significance.

NM_001378454.1(ALMS1):c.1436A>G (p.Asp479Gly)

Gene: ALMS1 (ALMS1 centrosome and basal body associated protein; plus strand). Cytogenetic location: 2p13.1.
Variant type: single nucleotide variant.
Coding change: c.1436A>G on transcript NM_001378454.1 (MANE Select); coding-DNA position 1436, A replaced by G.
Protein change: p.Asp479Gly; replaces aspartic acid 479 with glycine.
Molecular consequence: missense variant.
Genome position (GRCh38, 1-based): chr2:73,447,963, A>G. VCF-style: chr2-73447963-A-G. GRCh37 (hg19) VCF-style: chr2-73675093-A-G.
Other names: c.1439A>G, p.Asp480Gly (NM_015120.4); short protein forms D479G, D480G.
Identifiers: ClinVar variation 971417 (VCV000971417.6), dbSNP rs1671839144, ClinGen allele CA347264383.
Genomic context (GRCh38, chr2:73,447,963, plus strand): 5'-CATAGAATTTTAAAATAGAAAATTTTATATACTATTAACAAATCTCTTTTTCTTTAGGAG[A>G]CACTTCTAAAGGAGGCATAGCTAAAGTTACTCAATCCAACTTGAAGTCAGGCATCACTAC-3'
Protein context (NP_001365383.1, residues 469-489): PKAPKHLKAG[Asp479Gly]TSKGGIAKVT